The following is an entry in ClinVar:

ClinVar aggregate classification (germline): Uncertain significance. Review status: criteria provided, multiple submitters, no conflicts (2 of 4 stars). 3 submissions from 3 submitters: Uncertain significance (3). Last evaluated 2024-03-06.

Conditions:
Hypertrophic cardiomyopathy 11. Also called: ACTC1-Related Familial Hypertrophic Cardiomyopathy. Identifiers: MedGen C2677506, MONDO:0012799, OMIM 612098.
Dilated cardiomyopathy 1R (CMD1R). Identifiers: Orphanet 154, Orphanet 54260, MedGen C3150681, MONDO:0013261, OMIM 613424.
Atrial septal defect 5 (ASD5). Identifiers: Orphanet 1478, MedGen C2748552, MONDO:0013011, OMIM 612794.
Cardiomyopathy (CMYO). Also called: Cardiomyopathies. Identifiers: Orphanet 167848, MedGen C0878544, MONDO:0004994, HP:0001638. Inheritance: Various modes of inheritance.
Cardiovascular phenotype. Identifiers: MedGen CN230736.

Allele frequency attached by ClinVar (database versions not stated): gnomAD 0.00001; TOPMed 0.00002.

Submissions (3):

Color Diagnostics, LLC DBA Color Health
Classification: Uncertain significance for Cardiomyopathy. Last evaluated: 2024-03-06. Review status: criteria provided, single submitter. Criteria: ACMG Guidelines, 2015. Collection method: clinical testing. Allele origin: germline.
Comment: This missense variant replaces cysteine with tyrosine at codon 2 of the ACTC1 protein. Computational prediction is inconclusive regarding the impact of this variant on protein structure and function (internally defined REVEL score threshold 0.5 < inconclusive < 0.7, PMID: 27666373). To our knowledge, functional studies have not been reported for this variant. This variant has not been reported in individuals affected with cardiovascular disorders in the literature. This variant has been identified in 2/281776 chromosomes in the general population by the Genome Aggregation Database (gnomAD). The available evidence is insufficient to determine the role of this variant in disease conclusively. Therefore, this variant is classified as a Variant of Uncertain Significance.

Ambry Genetics
Classification: Uncertain significance for Cardiovascular phenotype. Last evaluated: 2023-12-29. Review status: criteria provided, single submitter. Criteria: Ambry Variant Classification Scheme 2023. Collection method: clinical testing. Allele origin: germline.
Comment: The p.C2Y variant (also known as c.5G>A), located in coding exon 1 of the ACTC1 gene, results from a G to A substitution at nucleotide position 5. The cysteine at codon 2 is replaced by tyrosine, an amino acid with highly dissimilar properties. This amino acid position is conserved. In addition, this alteration is predicted to be deleterious by in silico analysis. Since supporting evidence is limited at this time, the clinical significance of this alteration remains unclear.

Labcorp Genetics (formerly Invitae), Labcorp
Classification: Uncertain significance for Dilated cardiomyopathy 1R; Hypertrophic cardiomyopathy 11; Atrial septal defect 5. Last evaluated: 2023-03-24. Review status: criteria provided, single submitter. Criteria: Invitae Variant Classification Sherloc (09022015). Collection method: clinical testing. Allele origin: germline.
Comment: This sequence change replaces cysteine, which is neutral and slightly polar, with tyrosine, which is neutral and polar, at codon 2 of the ACTC1 protein (p.Cys2Tyr). This variant is present in population databases (no rsID available, gnomAD 0.002%). This variant has not been reported in the literature in individuals affected with ACTC1-related conditions. ClinVar contains an entry for this variant (Variation ID: 938099). An algorithm developed to predict the effect of missense changes on protein structure and function (PolyPhen-2) suggests that this variant is likely to be tolerated. In summary, the available evidence is currently insufficient to determine the role of this variant in disease. Therefore, it has been classified as a Variant of Uncertain Significance.

NM_005159.5(ACTC1):c.5G>A (p.Cys2Tyr)

Genes: GJD2-DT (GJD2 divergent transcript; plus strand), ACTC1 (actin alpha cardiac muscle 1; minus strand). Cytogenetic location: 15q14.
Variant type: single nucleotide variant.
Coding change: c.5G>A on transcript NM_005159.5 (MANE Select); coding-DNA position 5, G replaced by A.
Protein change: p.Cys2Tyr; replaces cysteine 2 with tyrosine.
Molecular consequence: missense variant.
Genome position (GRCh38, 1-based): chr15:34,794,804, C>T on the plus strand (G>A on the coding strand, the complement: ACTC1 is on the minus strand). VCF-style: chr15-34794804-C-T. GRCh37 (hg19) VCF-style: chr15-35087005-C-T.
Other names: short protein forms C2Y.
Identifiers: ClinVar variation 938099 (VCV000938099.12), dbSNP rs1469206760, ClinGen allele CA391633527.